The following is an entry in ClinVar:

ClinVar aggregate classification (germline): Benign/Likely benign. Review status: criteria provided, multiple submitters, no conflicts (2 of 4 stars). 9 submissions from 9 submitters: Benign (8); Likely benign (1). Last evaluated 2026-04-13.

Conditions:
Fetal akinesia deformation sequence 1 (FADS1). Also called: Pena-Shokeir syndrome type I; Fetal akinesia sequence. Identifiers: Orphanet 994, MedGen C1276035, MONDO:0100101, OMIM 208150, HP:0001989.
Congenital myasthenic syndrome 10. Also called: Myasthenia, limb-girdle, familial. Identifiers: Orphanet 590, MedGen C1850792, MONDO:0009690, OMIM 254300.

Allele frequency attached by ClinVar (database versions not stated): ESP Exome Variant Server 0.14564; TOPMed 0.16585; gnomAD 0.18181; 1000 Genomes Project 30x 0.20394; 1000 Genomes Project 0.21685; gnomAD exomes 0.22418; ExAC 0.30014.
gnomAD v4.1: 338,528 of 1,579,746 alleles (21%); highest among the groups gnomAD compares: East Asian, 51%; 40,280 homozygotes.

Submissions (9):

Women's Health and Genetics/Laboratory Corporation of America, LabCorp
Classification: Benign. Last evaluated: 2026-04-13. Review status: criteria provided, single submitter. Criteria: LabCorp Variant Classification Summary - May 2015. Collection method: clinical testing. Allele origin: germline.

Labcorp Genetics (formerly Invitae), Labcorp
Classification: Benign for Congenital myasthenic syndrome 10; Fetal akinesia deformation sequence 1. Last evaluated: 2026-02-04. Review status: criteria provided, single submitter. Criteria: Invitae Variant Classification Sherloc (09022015). Collection method: clinical testing. Allele origin: germline.

Blueprint Genetics
Classification: Likely benign. Last evaluated: 2024-11-26. Review status: criteria provided, single submitter. Criteria: ACMG Guidelines, 2015. Collection method: clinical testing. Allele origin: germline.

Mayo Clinic Laboratories, Mayo Clinic
Classification: Benign. Last evaluated: 2017-07-24. Review status: criteria provided, single submitter. Criteria: ACMG Guidelines, 2015. Collection method: clinical testing. Allele origin: germline. Observed: 156 variant alleles.

GeneDx
Classification: Benign. Last evaluated: 2016-02-05. Review status: criteria provided, single submitter. Criteria: GeneDx Variant Classification (06012015). Collection method: clinical testing. Allele origin: germline. Affected: yes.
Comment: This variant is considered likely benign or benign based on one or more of the following criteria: it is a conservative change, it occurs at a poorly conserved position in the protein, it is predicted to be benign by multiple in silico algorithms, and/or has population frequency not consistent with disease.

Eurofins Ntd Llc (ga)
Classification: Benign. Last evaluated: 2014-11-21. Review status: criteria provided, single submitter. Criteria: EGL Classification Definitions 2015. Collection method: clinical testing. Allele origin: germline. Observed: 6 variant alleles, 4 heterozygotes, 2 homozygotes.

Genetic Services Laboratory, University of Chicago
Classification: Benign for AllHighlyPenetrant. Last evaluated: 2013-08-15. Review status: criteria provided, single submitter. Criteria: ACMG Guidelines, 2007. Collection method: clinical testing. Allele origin: germline. Inheritance: Autosomal recessive inheritance.

Breakthrough Genomics
Classification: Benign. Review status: criteria provided, single submitter. Criteria: ACMG Guidelines, 2015. Collection method: not provided. Allele origin: germline. Inheritance: Autosomal recessive inheritance. Affected: yes.

PreventionGenetics, part of Exact Sciences
Classification: Benign. Review status: criteria provided, single submitter. Criteria: ACMG Guidelines, 2015. Collection method: clinical testing. Allele origin: germline.

NM_173660.5(DOK7):c.1113A>C (p.Ser371=)

Gene: DOK7 (docking protein 7; plus strand). Cytogenetic location: 4p16.3.
Variant type: single nucleotide variant.
Coding change: c.1113A>C on transcript NM_173660.5 (MANE Select); coding-DNA position 1113, A replaced by C.
Protein change: p.Ser371=; no amino-acid change (serine 371 retained).
Molecular consequence: synonymous variant. On other transcripts: 3 prime UTR variant (1).
Genome position (GRCh38, 1-based): chr4:3,493,099, A>C. VCF-style: chr4-3493099-A-C. GRCh37 (hg19) VCF-style: chr4-3494826-A-C.
Other names: p.Ser371=; c.*334A>C (NM_001164673.2); c.183A>C, p.Ser61= (NM_001256896.2); c.1113A>C, p.Ser371= (NM_001301071.2); c.681A>C, p.Ser227= (NM_001363811.2).
Identifiers: ClinVar variation 128904 (VCV000128904.23), dbSNP rs6811856, ClinGen allele CA152587.